The following is an entry in ClinVar:

NM_005732.4(RAD50):c.2994T>A (p.Asn998Lys)

Gene: RAD50 (RAD50 double strand break repair protein; plus strand). Cytogenetic location: 5q31.1.
Variant type: single nucleotide variant.
Coding change: c.2994T>A on transcript NM_005732.4 (MANE Select); coding-DNA position 2994, T replaced by A.
Protein change: p.Asn998Lys; replaces asparagine 998 with lysine.
Molecular consequence: missense variant.
Genome position (GRCh38, 1-based): chr5:132,609,354, T>A. VCF-style: chr5-132609354-T-A. GRCh37 (hg19) VCF-style: chr5-131945046-T-A.
Other names: short protein forms N998K.
Identifiers: ClinVar variation 3942206 (VCV003942206.1).

ClinVar aggregate classification (germline): Uncertain significance (1 of 4 stars; one submission).

Conditions:
Hereditary cancer-predisposing syndrome. Also called: Tumor predisposition; Hereditary neoplastic syndrome; Hereditary Cancer Syndrome; Neoplastic Syndromes, Hereditary. Identifiers: Orphanet 140162, MedGen C0027672, MeSH D009386, MONDO:0015356.

Submission:

Ambry Genetics
Classification: Uncertain significance for Hereditary cancer-predisposing syndrome. Last evaluated: 2025-05-31. Review status: criteria provided, single submitter. Criteria: Ambry Variant Classification Scheme 2023. Collection method: clinical testing. Allele origin: germline.
Comment: The p.N998K variant (also known as c.2994T>A), located in coding exon 19 of the RAD50 gene, results from a T to A substitution at nucleotide position 2994. The asparagine at codon 998 is replaced by lysine, an amino acid with similar properties. This amino acid position is conserved. In addition, this alteration is predicted to be tolerated by in silico analysis. Based on the available evidence, the clinical significance of this variant remains unclear.